The following is an entry in ClinVar:

ClinVar aggregate classification (germline): Uncertain significance (1 of 4 stars; one submission).

Submission:

GeneDx
Classification: Uncertain significance. Last evaluated: 2025-04-29. Review status: criteria provided, single submitter. Criteria: GeneDx Variant Classification Process June 2021. Collection method: clinical testing. Allele origin: germline. Affected: yes.
Comment: Not observed at significant frequency in large population cohorts (gnomAD); In silico analysis indicates that this missense variant does not alter protein structure/function; Has not been previously published as pathogenic or benign to our knowledge

NM_003097.6(SNRPN):c.269C>G (p.Thr90Ser)

Genes: SNHG14 (small nucleolar RNA host gene 14; plus strand), SNRPN (small nuclear ribonucleoprotein polypeptide N; plus strand), SNURF (SNRPN upstream open reading frame; plus strand). Cytogenetic location: 15q11.2.
Variant type: single nucleotide variant.
Coding change: c.269C>G on transcript NM_003097.6 (MANE Select); coding-DNA position 269, C replaced by G.
Protein change: p.Thr90Ser; replaces threonine 90 with serine.
Molecular consequence: missense variant. On other transcripts: non-coding transcript variant (1), 3 prime UTR variant (1).
Genome position (GRCh38, 1-based): chr15:24,976,878, C>G. VCF-style: chr15-24976878-C-G. GRCh37 (hg19) VCF-style: chr15-25222025-C-G.
Other names: c.269C>G, p.Thr90Ser (NM_001400647.1, NM_001400649.1, NM_001400650.1 and 99 more transcripts); c.281C>G, p.Thr94Ser (NM_001378251.1, NM_001378252.1, NM_001378253.1 and 2 more transcripts); c.245C>G, p.Thr82Ser (NM_001378256.1, NM_001378257.1, NM_001400767.1); c.5C>G, p.Thr2Ser (NM_001400768.1); c.*457C>G (NM_005678.5); short protein forms T2S, T82S, T90S, T94S.
Identifiers: ClinVar variation 4527752 (VCV004527752.1).
Genomic context (GRCh38, chr15:24,976,878, plus strand): 5'-TAAGAATACTGAGAACTTGTAAATTGTTTGATTTTAGGCTATGAATTTTCTTGTTTCAGA[C>G]TGGCATTGCTCGGGTACCACTTGCTGGAGCTGCTGGAGGCCCTGGGGTTGGTAGGGCAGC-3'
Protein context (NP_003088.1, residues 80-100): MTVEGPPPKD[Thr90Ser]GIARVPLAGA